The following is an entry in ClinVar:

NM_001005242.3(PKP2):c.1916T>C (p.Ile639Thr)

Gene: PKP2 (plakophilin 2; minus strand). Cytogenetic location: 12p11.21.
Variant type: single nucleotide variant.
Coding change: c.1916T>C on transcript NM_001005242.3 (MANE Select); coding-DNA position 1916, T replaced by C.
Protein change: p.Ile639Thr; replaces isoleucine 639 with threonine.
Molecular consequence: missense variant.
Genome position (GRCh38, 1-based): chr12:32,821,453, A>G on the plus strand (T>C on the coding strand, the complement: PKP2 is on the minus strand). VCF-style: chr12-32821453-A-G. GRCh37 (hg19) VCF-style: chr12-32974387-A-G.
Other names: c.2048T>C, p.Ile683Thr (NM_004572.4); short protein forms I639T, I683T.
Identifiers: ClinVar variation 1171127 (VCV001171127.7), dbSNP rs1956376395, ClinGen allele CA384361848.

ClinVar aggregate classification (germline): Uncertain significance. Review status: criteria provided, multiple submitters, no conflicts (2 of 4 stars). 5 submissions from 5 submitters: Uncertain significance (5). Last evaluated 2024-03-07.

Conditions:
Cardiovascular phenotype. Identifiers: MedGen CN230736.
Arrhythmogenic right ventricular cardiomyopathy (ARVD). Also called: Arrhythmogenic cardiomyopathy; Arrhythmogenic Right Ventricular Cardiomyopathy (ARVC); Cardiomyopathy, ARVC; Arrhythmogenic right ventricular dysplasia. Identifiers: Orphanet 247, MedGen C0349788, MeSH D019571, MONDO:0016587. Disease mechanism: loss of function. Inheritance: Various modes of inheritance.
Cardiomyopathy (CMYO). Also called: Cardiomyopathies. Identifiers: Orphanet 167848, MedGen C0878544, MONDO:0004994, HP:0001638. Inheritance: Various modes of inheritance.
Arrhythmogenic right ventricular dysplasia 9 (ARVD9). Also called: ARRHYTHMOGENIC RIGHT VENTRICULAR DYSPLASIA, FAMILIAL, 9; Arrhythmogenic Right Ventricular Dysplasia/Cardiomyopathy 9. Identifiers: MedGen C1836906, MONDO:0012180, OMIM 609040.

Allele frequency attached by ClinVar (database versions not stated): gnomAD 0.00001.
gnomAD v4.1: 5 of 1,613,974 alleles (0.00031%); highest among the groups gnomAD compares: Admixed American, 0.0017%; no homozygotes.

Submissions (5):

Color Diagnostics, LLC DBA Color Health
Classification: Uncertain significance for Cardiomyopathy. Last evaluated: 2024-03-07. Review status: criteria provided, single submitter. Criteria: ACMG Guidelines, 2015. Collection method: clinical testing. Allele origin: germline.
Comment: This missense variant replaces isoleucine with threonine at codon 683 of the PKP2 protein. Computational prediction suggests that this variant may not impact protein structure and function (internally defined REVEL score threshold <= 0.5, PMID: 27666373). To our knowledge, functional studies have not been reported for this variant. This variant has not been reported in individuals affected with PKP2-related disorders in the literature. This variant has not been identified in the general population by the Genome Aggregation Database (gnomAD). The available evidence is insufficient to determine the role of this variant in disease conclusively. Therefore, this variant is classified as a Variant of Uncertain Significance.

All of Us Research Program, National Institutes of Health
Classification: Uncertain significance for Arrhythmogenic right ventricular cardiomyopathy. Last evaluated: 2024-02-22. Review status: criteria provided, single submitter. Criteria: ACMG Guidelines, 2015. Collection method: clinical testing. Allele origin: germline. Inheritance: Autosomal dominant inheritance. Observed: 1 variant allele, 1 heterozygote.
Comment: This missense variant replaces isoleucine with threonine at codon 683 of the PKP2 protein. Computational prediction suggests that this variant may not impact protein structure and function (internally defined REVEL score threshold <= 0.5, PMID: 27666373). To our knowledge, functional studies have not been reported for this variant. This variant has not been reported in individuals affected with cardiovascular disorders in the literature. This variant has not been identified in the general population by the Genome Aggregation Database (gnomAD). The available evidence is insufficient to determine the role of this variant in disease conclusively. Therefore, this variant is classified as a Variant of Uncertain Significance.

This study involves interpretation of variants in research participants for the purpose of population health screening. Participant phenotype was not available at the time of variant classification. Additional details can be found in publication PMID: 35346344, PMCID: PMC8962531

Ambry Genetics
Classification: Uncertain significance for Cardiovascular phenotype. Last evaluated: 2023-12-29. Review status: criteria provided, single submitter. Criteria: Ambry Variant Classification Scheme 2023. Collection method: clinical testing. Allele origin: germline.
Comment: The p.I683T variant (also known as c.2048T>C), located in coding exon 10 of the PKP2 gene, results from a T to C substitution at nucleotide position 2048. The isoleucine at codon 683 is replaced by threonine, an amino acid with similar properties. This amino acid position is conserved. In addition, the in silico prediction for this alteration is inconclusive. Since supporting evidence is limited at this time, the clinical significance of this alteration remains unclear.

Fulgent Genetics
Classification: Uncertain significance for Arrhythmogenic right ventricular dysplasia 9. Last evaluated: 2021-10-25. Review status: criteria provided, single submitter. Criteria: ACMG Guidelines, 2015. Collection method: clinical testing. Allele origin: unknown.

Blueprint Genetics
Classification: Uncertain significance. Last evaluated: 2021-09-14. Review status: criteria provided, single submitter. Criteria: ACMG Guidelines, 2015. Collection method: clinical testing. Allele origin: germline.